The following is an entry in ClinVar:

NM_001365999.1(SZT2):c.6449G>A (p.Arg2150His)

Gene: SZT2 (SZT2 subunit of KICSTOR complex; plus strand). Cytogenetic location: 1p34.2.
Variant type: single nucleotide variant.
Coding change: c.6449G>A on transcript NM_001365999.1 (MANE Select); coding-DNA position 6449, G replaced by A.
Protein change: p.Arg2150His; replaces arginine 2150 with histidine.
Molecular consequence: missense variant.
Genome position (GRCh38, 1-based): chr1:43,437,843, G>A. VCF-style: chr1-43437843-G-A. GRCh37 (hg19) VCF-style: chr1-43903514-G-A.
Other names: c.6278G>A, p.Arg2093His (NM_015284.4); short protein forms R2093H, R2150H.
Identifiers: ClinVar variation 1041522 (VCV001041522.6), dbSNP rs774595821, ClinGen allele CA809897.

ClinVar aggregate classification (germline): Uncertain significance (1 of 4 stars; one submission).

Allele frequency attached by ClinVar (database versions not stated): ExAC 0.00001; gnomAD 0.00001; gnomAD exomes 0.00001 and 0.00002; TOPMed 0.00002.
gnomAD v4.1: 30 of 1,614,052 alleles (0.0019%); highest among the groups gnomAD compares: Middle Eastern, 0.016%; no homozygotes.

Submission:

Labcorp Genetics (formerly Invitae), Labcorp
Classification: Uncertain significance. Last evaluated: 2021-09-01. Review status: criteria provided, single submitter. Criteria: Invitae Variant Classification Sherloc (09022015). Collection method: clinical testing. Allele origin: germline.
Comment: This sequence change replaces arginine with histidine at codon 2093 of the SZT2 protein (p.Arg2093His). The arginine residue is highly conserved and there is a small physicochemical difference between arginine and histidine. This variant is present in population databases (rs774595821, ExAC no frequency). This variant has not been reported in the literature in individuals affected with SZT2-related conditions. Algorithms developed to predict the effect of missense changes on protein structure and function are either unavailable or do not agree on the potential impact of this missense change (SIFT: "Tolerated"; PolyPhen-2: "Probably Damaging"; Align-GVGD: "Class C0"). In summary, the available evidence is currently insufficient to determine the role of this variant in disease. Therefore, it has been classified as a Variant of Uncertain Significance.